The following is an entry in ClinVar:

NM_020944.3(GBA2):c.2574G>A (p.Leu858=)

Gene: GBA2 (glucosylceramidase beta 2; minus strand). Cytogenetic location: 9p13.3.
Variant type: single nucleotide variant.
Coding change: c.2574G>A on transcript NM_020944.3 (MANE Select); coding-DNA position 2574, G replaced by A.
Protein change: p.Leu858=; no amino-acid change (leucine 858 retained).
Molecular consequence: synonymous variant. On other transcripts: 3 prime UTR variant (1).
Genome position (GRCh38, 1-based): chr9:35,737,379, C>T on the plus strand (G>A on the coding strand, the complement: GBA2 is on the minus strand). VCF-style: chr9-35737379-C-T. GRCh37 (hg19) VCF-style: chr9-35737376-C-T.
Other names: p.Leu858=; c.*97G>A (NM_001330660.2).
Identifiers: ClinVar variation 699047 (VCV000699047.9), dbSNP rs145866042, ClinGen allele CA5050035.

ClinVar aggregate classification (germline): Likely benign. Review status: criteria provided, multiple submitters, no conflicts (2 of 4 stars). 3 submissions from 3 submitters: Likely benign (2). 1 of the submissions does not count toward it. Last evaluated 2025-09-25.

Conditions:
GBA2-related disorder. Also called: GBA2-related condition.
Spastic paraplegia. Identifiers: MedGen C0037772, HP:0001258.

Allele frequency attached by ClinVar (database versions not stated): gnomAD 0.00006; gnomAD exomes 0.00010 and 0.00008; ESP Exome Variant Server 0.00023; TOPMed 0.00007; ExAC 0.00011.
gnomAD v4.1: 161 of 1,614,062 alleles (0.01%); highest among the groups gnomAD compares: Middle Eastern, 0.082%; no homozygotes.

Submissions (3):

Mayo Clinic Laboratories, Mayo Clinic
Classification: Likely benign. Last evaluated: 2025-09-25. Review status: criteria provided, single submitter. Criteria: ACMG Guidelines, 2015. Collection method: clinical testing. Allele origin: germline. Observed: 1 variant allele.
Comment: BP4, BP7

Labcorp Genetics (formerly Invitae), Labcorp
Classification: Likely benign for Spastic paraplegia. Last evaluated: 2024-08-31. Review status: criteria provided, single submitter. Criteria: Invitae Variant Classification Sherloc (09022015). Collection method: clinical testing. Allele origin: germline.

PreventionGenetics, part of Exact Sciences
Classification: Likely benign for GBA2-related condition. Last evaluated: 2019-02-21. Review status: no assertion criteria provided. Collection method: clinical testing. Allele origin: germline. Not counted in ClinVar's aggregate classification.
Comment: This variant is classified as likely benign based on ACMG/AMP sequence variant interpretation guidelines (Richards et al. 2015 PMID: 25741868, with internal and published modifications).